The following is an entry in ClinVar:

ClinVar aggregate classification (germline): Uncertain significance (1 of 4 stars; one submission).

Conditions:
CHARGE syndrome (CHARGE). Also called: Hittner Hirsch Kreh syndrome; CHARGE ASSOCIATION--COLOBOMA, HEART ANOMALY, CHOANAL ATRESIA, RETARDATION, GENITAL AND EAR ANOMALIES; Coloboma, heart anomaly, choanal atresia, retardation, genital and ear anomalies; CHARGE association; Hall-Hittner syndrome. Identifiers: Orphanet 138, MedGen C0265354, MONDO:0008965.

gnomAD v4.1: 1 of 1,605,828 alleles (0.000062%); no homozygotes.

Submission:

Labcorp Genetics (formerly Invitae), Labcorp
Classification: Uncertain significance for CHARGE syndrome. Last evaluated: 2025-06-03. Review status: criteria provided, single submitter. Criteria: Invitae Variant Classification Sherloc (09022015). Collection method: clinical testing. Allele origin: germline.
Comment: This sequence change replaces threonine, which is neutral and polar, with alanine, which is neutral and non-polar, at codon 2917 of the CHD7 protein (p.Thr2917Ala). This variant is not present in population databases (gnomAD no frequency). This variant has not been reported in the literature in individuals affected with CHD7-related conditions. Invitae Evidence Modeling of protein sequence and biophysical properties (such as structural, functional, and spatial information, amino acid conservation, physicochemical variation, residue mobility, and thermodynamic stability) indicates that this missense variant is not expected to disrupt CHD7 protein function with a negative predictive value of 95%. In summary, the available evidence is currently insufficient to determine the role of this variant in disease. Therefore, it has been classified as a Variant of Uncertain Significance.

NM_017780.4(CHD7):c.8749A>G (p.Thr2917Ala)

Gene: CHD7 (chromodomain helicase DNA binding protein 7; plus strand). Cytogenetic location: 8q12.2.
Variant type: single nucleotide variant.
Coding change: c.8749A>G on transcript NM_017780.4 (MANE Select); coding-DNA position 8749, A replaced by G.
Protein change: p.Thr2917Ala; replaces threonine 2917 with alanine.
Molecular consequence: missense variant.
Genome position (GRCh38, 1-based): chr8:60,865,688, A>G. VCF-style: chr8-60865688-A-G. GRCh37 (hg19) VCF-style: chr8-61778247-A-G.
Other names: c.2602A>G, p.Thr868Ala (NM_001316690.1); short protein forms T2917A, T868A.
Identifiers: ClinVar variation 4802694 (VCV004802694.1).